The following is an entry in ClinVar:

ClinVar aggregate classification (germline): Uncertain significance. Review status: criteria provided, multiple submitters, no conflicts (2 of 4 stars). 3 submissions from 3 submitters: Uncertain significance (3). Last evaluated 2023-12-14.

Conditions:
Familial thoracic aortic aneurysm and aortic dissection (TAAD). Also called: Thoracic aortic aneurysms and dissections. Identifiers: Orphanet 91387, MedGen C4707243, MONDO:0019625.
Aortic aneurysm, familial thoracic 4 (AAT4). Also called: AORTIC ANEURYSM/AORTIC DISSECTION AND PATENT DUCTUS ARTERIOSUS. Identifiers: MedGen C1851504, MONDO:0007568, OMIM 132900.

Allele frequency attached by ClinVar (database versions not stated): gnomAD exomes below 0.00001 and 0.00003; ExAC 0.00002.
gnomAD v4.1: 20 of 1,599,354 alleles (0.0013%); highest among the groups gnomAD compares: East Asian, 0.043%; no homozygotes.

Submissions (3):

Labcorp Genetics (formerly Invitae), Labcorp
Classification: Uncertain significance for Aortic aneurysm, familial thoracic 4. Last evaluated: 2023-12-14. Review status: criteria provided, single submitter. Criteria: Invitae Variant Classification Sherloc (09022015). Collection method: clinical testing. Allele origin: germline.
Comment: This sequence change replaces aspartic acid, which is acidic and polar, with glycine, which is neutral and non-polar, at codon 630 of the MYH11 protein (p.Asp630Gly). This variant is present in population databases (rs751232816, gnomAD 0.007%). This variant has not been reported in the literature in individuals affected with MYH11-related conditions. ClinVar contains an entry for this variant (Variation ID: 629566). An algorithm developed to predict the effect of missense changes on protein structure and function (PolyPhen-2) suggests that this variant is likely to be disruptive. In summary, the available evidence is currently insufficient to determine the role of this variant in disease. Therefore, it has been classified as a Variant of Uncertain Significance.

Color Diagnostics, LLC DBA Color Health
Classification: Uncertain significance for Familial thoracic aortic aneurysm and aortic dissection. Last evaluated: 2023-12-05. Review status: criteria provided, single submitter. Criteria: ACMG Guidelines, 2015. Collection method: clinical testing. Allele origin: germline.
Comment: Variant of Uncertain Significance due to insufficient evidence: This missense variant is located in the myosin motor domain of the MYH11 protein. Computational prediction tools and conservation analyses suggest that this variant may have deleterious impact on the protein function. Computational splicing tools suggest that this variant may not impact RNA splicing. To our knowledge, functional assays have not been performed for this variant nor has this variant been reported in individuals affected with cardiovascular disorders in the literature. This variant has been identified in 1/213778 chromosomes in the general population by the Genome Aggregation Database (gnomAD). Available evidence is insufficient to determine the pathogenicity of this variant conclusively.

All of Us Research Program, National Institutes of Health
Classification: Uncertain significance for Familial thoracic aortic aneurysm and aortic dissection. Last evaluated: 2023-02-10. Review status: criteria provided, single submitter. Criteria: ACMG Guidelines, 2015. Collection method: clinical testing. Allele origin: germline. Inheritance: Autosomal dominant inheritance. Observed: 1 variant allele, 1 heterozygote.
Comment: Variant of Uncertain Significance due to insufficient evidence: This missense variant is located in the myosin motor domain of the MYH11 protein. Computational prediction tools and conservation analyses suggest that this variant may have deleterious impact on the protein function. Computational splicing tools suggest that this variant may not impact RNA splicing. To our knowledge, functional assays have not been performed for this variant nor has this variant been reported in individuals affected with cardiovascular disorders in the literature. This variant has been identified in 1/213778 chromosomes in the general population by the Genome Aggregation Database (gnomAD). Available evidence is insufficient to determine the pathogenicity of this variant conclusively.

This study involves interpretation of variants in research participants for the purpose of population health screening. Participant phenotype was not available at the time of variant classification. Additional details can be found in publication PMID: 35346344, PMCID: PMC8962531

NM_002474.3(MYH11):c.1868A>G (p.Asp623Gly)

Gene: MYH11 (myosin heavy chain 11; minus strand). Cytogenetic location: 16p13.11.
Variant type: single nucleotide variant.
Coding change: c.1868A>G on transcript NM_002474.3 (MANE Select); coding-DNA position 1868, A replaced by G.
Protein change: p.Asp623Gly; replaces aspartic acid 623 with glycine.
Molecular consequence: missense variant.
Genome position (GRCh38, 1-based): chr16:15,750,328, T>C on the plus strand (A>G on the coding strand, the complement: MYH11 is on the minus strand). VCF-style: chr16-15750328-T-C. GRCh37 (hg19) VCF-style: chr16-15844185-T-C.
Other names: c.1889A>G, p.Asp630Gly (NM_001040113.2, NM_001040114.2); c.1868A>G, p.Asp623Gly (NM_022844.3); short protein forms D623G, D630G.
Identifiers: ClinVar variation 629566 (VCV000629566.7), dbSNP rs751232816, ClinGen allele CA7922477.